The following is an entry in ClinVar:

ClinVar aggregate classification (germline): Uncertain significance (1 of 4 stars; one submission).

Submission:

Ambry Genetics
Classification: Uncertain significance. Last evaluated: 2023-06-14. Review status: criteria provided, single submitter. Criteria: Ambry Variant Classification Scheme 2023. Collection method: clinical testing. Allele origin: germline.
Comment: The c.3466_3472delAAAATAC (p.K1156Lfs*20) alteration, located in exon 16 (coding exon 15) of the CHD9 gene, consists of a deletion of 7 nucleotides from position 3466 to 3472, causing a translational frameshift with a predicted alternate stop codon after 20 amino acids. This alteration is expected to result in premature protein truncation or nonsense-mediated mRNA decay. However, loss of function of CHD9 has not been established as a mechanism of disease. This variant was not reported in population-based cohorts in the Genome Aggregation Database (gnomAD). Based on insufficient or conflicting evidence, the clinical significance of this alteration remains unclear.

NM_001308319.2(CHD9):c.3466_3472del (p.Lys1156fs)

Gene: CHD9 (chromodomain helicase DNA binding protein 9; plus strand). Cytogenetic location: 16q12.2.
Variant type: Deletion.
Coding change: c.3466_3472del on transcript NM_001308319.2 (MANE Select); coding-DNA positions 3466 to 3472, 7 bases deleted (AAAATAC; older notation c.3466_3472delAAAATAC).
Protein change: p.Lys1156fs; shifts the reading frame from lysine 1156.
Molecular consequence: frameshift variant.
Genome position (GRCh38, 1-based): chr16:53,247,304-53,247,310, AAAATAC deleted. VCF-style (leftmost placement, unchanged base first): chr16-53247303-GAAAATAC-G. GRCh37 (hg19) VCF-style: chr16-53281215-GAAAATAC-G.
Other names: c.3466_3472del, p.Lys1156fs (NM_001352127.3, NM_001382353.1, NM_025134.7); c.2044_2050del, p.Lys682fs (NM_001352156.3, NM_001352157.3); c.1945_1951del, p.Lys649fs (NM_001352158.3, NM_001382354.1, NM_001382355.1); short protein forms K682fs, K1156fs, K649fs.
Identifiers: ClinVar variation 2541873 (VCV002541873.2), dbSNP rs2543564960, ClinGen allele CA2580613477.